The following is an entry in ClinVar:

NM_022489.4(INF2):c.641G>A (p.Arg214His)

Gene: INF2 (inverted formin 2; plus strand). Cytogenetic location: 14q32.33.
Variant type: single nucleotide variant.
Coding change: c.641G>A on transcript NM_022489.4 (MANE Select); coding-DNA position 641, G replaced by A.
Protein change: p.Arg214His; replaces arginine 214 with histidine.
Molecular consequence: missense variant.
Genome position (GRCh38, 1-based): chr14:104,703,428, G>A. VCF-style: chr14-104703428-G-A. GRCh37 (hg19) VCF-style: chr14-105169765-G-A.
Other names: c.641G>A, p.Arg214His (NM_001031714.4, NM_032714.3); short protein forms R214H.
Identifiers: ClinVar variation 1053 (VCV000001053.19), dbSNP rs267606879, ClinGen allele CA114725.

ClinVar aggregate classification (germline): Pathogenic/Likely pathogenic. Review status: criteria provided, multiple submitters, no conflicts (2 of 4 stars). 9 submissions from 9 submitters: Pathogenic (5); Likely pathogenic (3). 1 of the submissions does not count toward it. Last evaluated 2025-11-05.

Conditions:
INF2-related disorder. Also called: INF2-related condition.
Kidney disorder. Also called: renal disorder; renal disease; Kidney disease; Kidney Diseases; Nephropathy. Identifiers: MedGen C0022658, MONDO:0005240, HP:0000112.
Charcot-Marie-Tooth disease dominant intermediate E. Also called: CHARCOT-MARIE-TOOTH NEUROPATHY WITH FOCAL SEGMENTAL GLOMERULONEPHRITIS. Identifiers: Orphanet 93114, MedGen C4302667, MONDO:0013758, OMIM 614455.
Focal segmental glomerulosclerosis 5 (FSGS5). Identifiers: Orphanet 656, MedGen C2750475, MONDO:0013191, OMIM 613237.

Allele frequency attached by ClinVar (database versions not stated): TOPMed below 0.00001; gnomAD exomes 0.00001; gnomAD 0.00001.
gnomAD v4.1: 4 of 1,612,490 alleles (0.00025%); highest among the groups gnomAD compares: Non-Finnish European, 0.00034%; no homozygotes.

Submissions (9):

3billion
Classification: Pathogenic for Focal segmental glomerulosclerosis 5. Last evaluated: 2025-11-05. Review status: criteria provided, single submitter. Criteria: ACMG Guidelines, 2015. Collection method: clinical testing. Allele origin: germline. Affected: yes.
Comment: The variant is observed at an extremely low frequency in the gnomAD v4.1.0 dataset (total allele frequency: <0.001%). Predicted Consequence/Location: Missense variant. Missense changes are a common disease-causing mechanism. In silico tool predictions suggest damaging effect of the variant on gene or gene product [REVEL: 0.85 (>=0.6, sensitivity 0.68 and specificity 0.92); 3Cnet: 0.76 (> 0.75, sensitivity 0.96 and precision 0.92)]. The same nucleotide change resulting in the same amino acid change has been previously reported as pathogenic/likely pathogenic with strong evidence (ClinVar ID: VCV000001053 /PMID: 20023659). Different missense changes at the same codon (p.Arg214Cys, p.Arg214Gly, p.Arg214Leu) have been reported as pathogenic/likely pathogenic with strong evidence (ClinVar ID: VCV000635443, VCV003066336, VCV003576431 /PMID: 21258034 /3billion dataset). Therefore, this variant is classified as Pathogenic according to the recommendation of ACMG/AMP guideline.

Genetic Services Laboratory, University of Chicago
Classification: Likely pathogenic. Last evaluated: 2025-09-22. Review status: criteria provided, single submitter. Criteria: ACMG Guidelines, 2015. Collection method: clinical testing. Allele origin: germline.
Comment: The c.641G>A variant: Results in an amino acid change, p.Arg214His. Affects a moderately conserved amino acid residue located in a domain of the INF2 protein that is known to be functional. Appears to be deleterious using several in-silico pathogenicity prediction tools. Has been previously described in multiple unrelated individuals with INF2-related disorders (PMID: 20023659, 30126379 ). Is reported in the gnomAD v4 database with a frequency of 0.0003% in the Non-Finnish European subpopulation (dbSNP rs267606879). ClinVar contains an entry for this variant (Variation ID: 1053). Collectively, this evidence indicates that this variant is likely pathogenic, however functional studies have not been performed to prove this conclusively.

Labcorp Genetics (formerly Invitae), Labcorp
Classification: Pathogenic for Charcot-Marie-Tooth disease dominant intermediate E; Focal segmental glomerulosclerosis 5. Last evaluated: 2025-06-12. Review status: criteria provided, single submitter. Criteria: Invitae Variant Classification Sherloc (09022015). Collection method: clinical testing. Allele origin: germline.
Comment: This sequence change replaces arginine, which is basic and polar, with histidine, which is basic and polar, at codon 214 of the INF2 protein (p.Arg214His). This variant is not present in population databases (gnomAD no frequency). This missense change has been observed in individual(s) with clinical features of focal segmental glomerulosclerosis (PMID: 20023659, 30126379, 30406062). It has also been observed to segregate with disease in related individuals. ClinVar contains an entry for this variant (Variation ID: 1053). Invitae Evidence Modeling of protein sequence and biophysical properties (such as structural, functional, and spatial information, amino acid conservation, physicochemical variation, residue mobility, and thermodynamic stability) indicates that this missense variant is expected to disrupt INF2 protein function with a positive predictive value of 95%. For these reasons, this variant has been classified as Pathogenic.

GeneDx
Classification: Pathogenic. Last evaluated: 2025-03-03. Review status: criteria provided, single submitter. Criteria: GeneDx Variant Classification Process June 2021. Collection method: clinical testing. Allele origin: germline. Affected: yes.
Comment: Not observed at significant frequency in large population cohorts (gnomAD); In silico analysis supports that this missense variant has a deleterious effect on protein structure/function; This variant is associated with the following publications: (PMID: 32451589, 21866090, 23014460, 25165188, 30126379, 30406062, 36938085, 20023659, 22965130, 38765559)

Eurofins-Biomnis
Classification: Likely pathogenic for Focal segmental glomerulosclerosis 5. Last evaluated: 2022-11-03. Review status: criteria provided, single submitter. Criteria: Accession Criteria ClinVar Biomnis. Collection method: clinical testing. Allele origin: germline. Affected: yes. Observed: 1 heterozygote.

Fulgent Genetics
Classification: Pathogenic for Focal segmental glomerulosclerosis 5; Charcot-Marie-Tooth disease dominant intermediate E. Last evaluated: 2021-12-25. Review status: criteria provided, single submitter. Criteria: ACMG Guidelines, 2015. Collection method: clinical testing. Allele origin: unknown.

Blueprint Genetics
Classification: Pathogenic for INF2-related disorders. Last evaluated: 2018-09-17. Review status: criteria provided, single submitter. Criteria: ACMG Guidelines, 2015. Collection method: clinical testing. Allele origin: germline. Affected: yes. Observed: 1 variant allele.

Genome Diagnostics Laboratory, The Hospital for Sick Children
Classification: Likely pathogenic for Kidney disorder. Last evaluated: 2016-12-12. Review status: criteria provided, single submitter. Criteria: ACMG Guidelines, 2015. Collection method: clinical testing. Allele origin: germline.

OMIM
Classification: Pathogenic for FOCAL SEGMENTAL GLOMERULOSCLEROSIS 5. Last evaluated: 2010-01-01. Review status: no assertion criteria provided. Collection method: literature only. Allele origin: germline. Not counted in ClinVar's aggregate classification.

Literature cited by the submitters: PubMed 20023659 (cited by 3 submitters); PubMed 21258034 (cited by 3billion); PubMed 30126379 (cited by Labcorp Genetics (formerly Invitae), Labcorp); PubMed 30406062 (cited by Labcorp Genetics (formerly Invitae), Labcorp).